The following is an entry in ClinVar:

NM_003193.5(TBCE):c.1492-14C>T

Genes: B3GALNT2 (beta-1,3-N-acetylgalactosaminyltransferase 2; minus strand), TBCE (tubulin folding cofactor E; plus strand). Cytogenetic location: 1q42.3.
Variant type: single nucleotide variant.
Coding change: c.1492-14C>T on transcript NM_003193.5 (MANE Select); 14 bases into the intron before coding-DNA position 1492, C replaced by T.
Molecular consequence: intron variant. On other transcripts: 3 prime UTR variant (1).
Genome position (GRCh38, 1-based): chr1:235,448,656, C>T. VCF-style: chr1-235448656-C-T. GRCh37 (hg19) VCF-style: chr1-235611971-C-T.
Other names: c.*1550G>A (NM_152490.5); c.1492-14C>T (NM_001079515.3); c.1645-14C>T (NM_001287801.2); c.1153-14C>T (NM_001287802.2).
Identifiers: ClinVar variation 296312 (VCV000296312.13), dbSNP rs147400126, ClinGen allele CA1464515.

ClinVar aggregate classification (germline): Benign/Likely benign. Review status: criteria provided, multiple submitters, no conflicts (2 of 4 stars). 3 submissions from 3 submitters: Benign (1); Likely benign (2). Last evaluated 2026-01-19.

Conditions:
Hypoparathyroidism-retardation-dysmorphism syndrome (HRDS). Also called: SANJAD-SAKATI SYNDROME. Identifiers: Orphanet 2323, MedGen C1855840, MONDO:0009426, OMIM 241410.

Allele frequency attached by ClinVar (database versions not stated): gnomAD 0.00027 and 0.00041; TOPMed 0.00054; gnomAD exomes 0.00068; ExAC 0.00077; 1000 Genomes Project 30x 0.00172; 1000 Genomes Project 0.00200.
gnomAD v4.1: 386 of 1,606,826 alleles (0.024%); highest among the groups gnomAD compares: East Asian, 0.71%; 2 homozygotes.

Submissions (3):

Labcorp Genetics (formerly Invitae), Labcorp
Classification: Benign. Last evaluated: 2026-01-19. Review status: criteria provided, single submitter. Criteria: Invitae Variant Classification Sherloc (09022015). Collection method: clinical testing. Allele origin: germline.

Blueprint Genetics
Classification: Likely benign. Last evaluated: 2024-10-07. Review status: criteria provided, single submitter. Criteria: ACMG Guidelines, 2015. Collection method: clinical testing. Allele origin: germline.

Illumina Laboratory Services, Illumina
Classification: Likely benign for Hypoparathyroidism-retardation-dysmorphism syndrome. Last evaluated: 2018-01-13. Review status: criteria provided, single submitter. Criteria: ICSL Variant Classification Criteria 13 December 2019. Collection method: clinical testing. Allele origin: germline.
Comment: This variant was observed in the ICSL laboratory as part of a predisposition screen in an ostensibly healthy population. It had not been previously curated by ICSL or reported in the Human Gene Mutation Database (HGMD: prior to June 1st, 2018), and was therefore a candidate for classification through an automated scoring system. Utilizing variant allele frequency, disease prevalence and penetrance estimates, and inheritance mode, an automated score was calculated to assess if this variant is too frequent to cause the disease. Based on the score and internal cut-off values, a variant classified as likely benign is not then subjected to further curation. The score for this variant resulted in a classification of likely benign for this disease.